The following is an entry in ClinVar:

ClinVar aggregate classification (germline): Likely benign (0 of 4 stars; one submission).

Conditions:
RPGRIP1L-related disorder. Also called: RPGRIP1L-related condition; RPGRIP1L-related disorders. Identifiers: MedGen CN239416.

gnomAD v4.1: 3 of 702,854 alleles (0.00043%); highest among the groups gnomAD compares: African/African-American, 0.0052%; no homozygotes.

Submission:

PreventionGenetics, part of Exact Sciences
Classification: Likely benign for RPGRIP1L-related condition. Last evaluated: 2024-01-02. Review status: no assertion criteria provided. Collection method: clinical testing. Allele origin: germline.
Comment: This variant is classified as likely benign based on ACMG/AMP sequence variant interpretation guidelines (Richards et al. 2015 PMID: 25741868, with internal and published modifications).

NM_015272.5(RPGRIP1L):c.230+768G>C

Gene: RPGRIP1L (RPGRIP1 like; minus strand). Cytogenetic location: 16q12.2.
Variant type: single nucleotide variant.
Coding change: c.230+768G>C on transcript NM_015272.5 (MANE Select); 768 bases into the intron after coding-DNA position 230, G replaced by C.
Molecular consequence: intron variant. On other transcripts: synonymous variant (1).
Genome position (GRCh38, 1-based): chr16:53,695,383, C>G on the plus strand (G>C on the coding strand, the complement: RPGRIP1L is on the minus strand). VCF-style: chr16-53695383-C-G. GRCh37 (hg19) VCF-style: chr16-53729295-C-G.
Other names: c.306G>C, p.Val102= (NM_001328422.2); c.230+768G>C (NM_001127897.4, NM_001330538.2, NM_001308334.3).
Identifiers: ClinVar variation 3348097 (VCV003348097.1).